The following is an entry in ClinVar:

NM_000368.5(TSC1):c.2779A>C (p.Lys927Gln)

Gene: TSC1 (TSC complex subunit 1; minus strand). Cytogenetic location: 9q34.13.
Variant type: single nucleotide variant.
Coding change: c.2779A>C on transcript NM_000368.5 (MANE Select); coding-DNA position 2779, A replaced by C.
Protein change: p.Lys927Gln; replaces lysine 927 with glutamine.
Molecular consequence: missense variant. On other transcripts: non-coding transcript variant (5).
Genome position (GRCh38, 1-based): chr9:132,897,457, T>G on the plus strand (A>C on the coding strand, the complement: TSC1 is on the minus strand). VCF-style: chr9-132897457-T-G. GRCh37 (hg19) VCF-style: chr9-135772844-T-G.
Other names: c.2737A>C, p.Lys913Gln (NM_001406605.1, NM_001406606.1, NM_001406607.1); c.2734A>C, p.Lys912Gln (NM_001406608.1, NM_001406609.1); c.2626A>C, p.Lys876Gln (NM_001406610.1, NM_001162427.2); c.2623A>C, p.Lys875Gln (NM_001406611.1, NM_001406612.1); c.2581A>C, p.Lys861Gln (NM_001406613.1); c.2416A>C, p.Lys806Gln (NM_001406614.1, NM_001362177.2, NM_001406615.1 and 4 more transcripts); c.2374A>C, p.Lys792Gln (NM_001406624.1); c.2371A>C, p.Lys791Gln (NM_001406625.1); and 8 more; short protein forms K791Q, K805Q, K921Q, K926Q, K576Q, K806Q, K876Q, K912Q.
Identifiers: ClinVar variation 5031215 (VCV005031215.1).

ClinVar aggregate classification (germline): Uncertain significance (1 of 4 stars; one submission).

Conditions:
Hereditary cancer-predisposing syndrome. Also called: Neoplastic Syndromes, Hereditary; Tumor predisposition; Hereditary neoplastic syndrome; Hereditary Cancer Syndrome. Identifiers: Orphanet 140162, MedGen C0027672, MeSH D009386, MONDO:0015356.

Submission:

Ambry Genetics
Classification: Uncertain significance for Hereditary cancer-predisposing syndrome. Last evaluated: 2026-07-06. Review status: criteria provided, single submitter. Criteria: Ambry Variant Classification Scheme 2023. Collection method: clinical testing. Allele origin: germline.
Comment: The p.K927Q variant (also known as c.2779A>C), located in coding exon 19 of the TSC1 gene, results from an A to C substitution at nucleotide position 2779. The lysine at codon 927 is replaced by glutamine, an amino acid with similar properties. This amino acid position is conserved. In addition, the in silico prediction for this alteration is inconclusive. Based on the available evidence, the clinical significance of this variant remains unclear.